The following is an entry in ClinVar:

ClinVar aggregate classification (germline): Uncertain significance (1 of 4 stars; one submission).

Conditions:
Hereditary cancer-predisposing syndrome. Also called: Hereditary Cancer Syndrome; Neoplastic Syndromes, Hereditary; Tumor predisposition; Hereditary neoplastic syndrome. Identifiers: Orphanet 140162, MedGen C0027672, MeSH D009386, MONDO:0015356.

Allele frequency attached by ClinVar (database versions not stated): gnomAD exomes below 0.00001.
gnomAD v4.1: 5 of 1,614,022 alleles (0.00031%); highest among the groups gnomAD compares: Non-Finnish European, 0.00042%; no homozygotes.

Submission:

Ambry Genetics
Classification: Uncertain significance for Hereditary cancer-predisposing syndrome. Last evaluated: 2017-08-07. Review status: criteria provided, single submitter. Criteria: Ambry Variant Classification Scheme 2023. Collection method: clinical testing. Allele origin: germline.
Comment: The p.S107R variant (also known as c.321T>G), located in coding exon 2 of the TMEM127 gene, results from a T to G substitution at nucleotide position 321. The serine at codon 107 is replaced by arginine, an amino acid with dissimilar properties. This amino acid position is highly conserved in available vertebrate species. In addition, this alteration is predicted to be deleterious by in silico analysis. Since supporting evidence is limited at this time, the clinical significance of this alteration remains unclear.

NM_017849.4(TMEM127):c.321T>G (p.Ser107Arg)

Gene: TMEM127 (transmembrane protein 127; minus strand). Cytogenetic location: 2q11.2.
Variant type: single nucleotide variant.
Coding change: c.321T>G on transcript NM_017849.4 (MANE Select); coding-DNA position 321, T replaced by G.
Protein change: p.Ser107Arg; replaces serine 107 with arginine.
Molecular consequence: missense variant.
Genome position (GRCh38, 1-based): chr2:96,254,921, A>C on the plus strand (T>G on the coding strand, the complement: TMEM127 is on the minus strand). VCF-style: chr2-96254921-A-C. GRCh37 (hg19) VCF-style: chr2-96920659-A-C.
Other names: c.321T>G, p.Ser107Arg (NM_001193304.3); short protein forms S107R.
Identifiers: ClinVar variation 480811 (VCV000480811.5), dbSNP rs1553437007, ClinGen allele CA347653455.
Genomic context (GRCh38, chr2:96,254,921, plus strand): 5'-ACGAGTGATCTTCAGAGCAGGATGCTTCGGCCCAAAGACATCCAGAAGGAAAGCGGAGAG[A>C]CTACACAGGATGCCCAGGAAACAGAAGGCGGCGATGACCCGCAGGAGCAGCACTGTCTGG-3'
Protein context (NP_060319.1, residues 97-117): AAFCFLGILC[Ser107Arg]LSAFLLDVFG